The following is an entry in ClinVar:

ClinVar aggregate classification (germline): Likely benign (0 of 4 stars; one submission).

Conditions:
CAMTA1-related disorder. Also called: CAMTA1-related condition.

gnomAD v4.1: 26 of 1,613,982 alleles (0.0016%); highest among the groups gnomAD compares: East Asian, 0.058%; no homozygotes.

Submission:

PreventionGenetics, part of Exact Sciences
Classification: Likely benign for CAMTA1-related condition. Last evaluated: 2022-09-07. Review status: no assertion criteria provided. Collection method: clinical testing. Allele origin: germline.
Comment: This variant is classified as likely benign based on ACMG/AMP sequence variant interpretation guidelines (Richards et al. 2015 PMID: 25741868, with internal and published modifications).

NM_015215.4(CAMTA1):c.4220C>G (p.Ala1407Gly)

Gene: CAMTA1 (calmodulin binding transcription activator 1; plus strand). Cytogenetic location: 1p36.23.
Variant type: single nucleotide variant.
Coding change: c.4220C>G on transcript NM_015215.4 (MANE Select); coding-DNA position 4220, C replaced by G.
Protein change: p.Ala1407Gly; replaces alanine 1407 with glycine.
Molecular consequence: missense variant.
Genome position (GRCh38, 1-based): chr1:7,744,872, C>G. VCF-style: chr1-7744872-C-G. GRCh37 (hg19) VCF-style: chr1-7804932-C-G.
Other names: c.4130C>G, p.Ala1377Gly (NM_001349608.2); c.3881C>G, p.Ala1294Gly (NM_001349609.2, NM_001349610.2, NM_001410737.1); c.3791C>G, p.Ala1264Gly (NM_001349612.2); c.1349C>G, p.Ala450Gly (NM_001349613.1); c.1292C>G, p.Ala431Gly (NM_001349614.1, NM_001349615.2, NM_001349616.2 and 2 more transcripts); c.953C>G, p.Ala318Gly (NM_001349619.2, NM_001349620.1, NM_001349621.1 and 5 more transcripts); c.3809C>G, p.Ala1270Gly (NM_001410738.1); short protein forms A1264G, A1270G, A1294G, A1377G, A1407G, A318G, A431G, A450G.
Identifiers: ClinVar variation 3351563 (VCV003351563.1).